The following is an entry in ClinVar:

NM_032043.3(BRIP1):c.2410C>A (p.His804Asn)

Gene: BRIP1 (BRCA1 interacting DNA helicase 1; minus strand). Cytogenetic location: 17q23.2.
Variant type: single nucleotide variant.
Coding change: c.2410C>A on transcript NM_032043.3 (MANE Select); coding-DNA position 2410, C replaced by A.
Protein change: p.His804Asn; replaces histidine 804 with asparagine.
Molecular consequence: missense variant.
Genome position (GRCh38, 1-based): chr17:61,716,033, G>T on the plus strand (C>A on the coding strand, the complement: BRIP1 is on the minus strand). VCF-style: chr17-61716033-G-T. GRCh37 (hg19) VCF-style: chr17-59793394-G-T.
Other names: short protein forms H804N.
Identifiers: ClinVar variation 3759044 (VCV003759044.2).

ClinVar aggregate classification (germline): Uncertain significance (1 of 4 stars; one submission).

Conditions:
Fanconi anemia complementation group J. Also called: BRIP1-Related Fanconi Anemia. Identifiers: Orphanet 84, MedGen C1836860, MONDO:0012187, OMIM 609054.
Familial cancer of breast. Also called: BREAST CANCER, FAMILIAL; Hereditary breast cancer; hereditary breast carcinoma. Identifiers: Orphanet 227535, MedGen C0346153, MONDO:0016419, OMIM 114480. Disease mechanism: loss of function.

gnomAD v4.1: 1 of 1,606,186 alleles (0.000062%); highest among the groups gnomAD compares: Non-Finnish European, 0.000085%; no homozygotes.

Submission:

Labcorp Genetics (formerly Invitae), Labcorp
Classification: Uncertain significance for Familial cancer of breast; Fanconi anemia complementation group J. Last evaluated: 2024-12-08. Review status: criteria provided, single submitter. Criteria: Invitae Variant Classification Sherloc (09022015). Collection method: clinical testing. Allele origin: germline.
Comment: This sequence change replaces histidine, which is basic and polar, with asparagine, which is neutral and polar, at codon 804 of the BRIP1 protein (p.His804Asn). This variant is not present in population databases (gnomAD no frequency). This variant has not been reported in the literature in individuals affected with BRIP1-related conditions. Invitae Evidence Modeling of protein sequence and biophysical properties (such as structural, functional, and spatial information, amino acid conservation, physicochemical variation, residue mobility, and thermodynamic stability) has been performed for this missense variant. However, the output from this modeling did not meet the statistical confidence thresholds required to predict the impact of this variant on BRIP1 protein function. In summary, the available evidence is currently insufficient to determine the role of this variant in disease. Therefore, it has been classified as a Variant of Uncertain Significance.